The following is an entry in ClinVar:

ClinVar aggregate classification (germline): Pathogenic. Review status: reviewed by expert panel (3 of 4 stars). 12 submissions from 12 submitters: Pathogenic (1). 11 of the submissions do not count toward it. Last evaluated 2016-09-08.

Conditions:
Hereditary cancer-predisposing syndrome. Also called: Neoplastic Syndromes, Hereditary; Hereditary Cancer Syndrome; Tumor predisposition; Hereditary neoplastic syndrome. Identifiers: Orphanet 140162, MedGen C0027672, MeSH D009386, MONDO:0015356.
Hereditary breast ovarian cancer syndrome. Also called: BRCA1- and BRCA2-Associated Hereditary Breast and Ovarian Cancer; Hereditary breast and ovarian cancer syndrome; Hereditary breast and ovarian cancer syndrome (HBOC); Hereditary breast and/or ovarian cancer syndrome; Hereditary breast and ovarian cancer; Breast and ovarian cancer. Identifiers: Orphanet 145, MedGen C0677776, MeSH D061325, MONDO:0003582. Disease mechanism: loss of function.
Breast-ovarian cancer, familial, susceptibility to, 2 (BROVCA2). Also called: BRCA2 Hereditary Breast and Ovarian Cancer. Identifiers: Orphanet 145, MedGen C2675520, MONDO:0012933, OMIM 612555. Disease mechanism: loss of function.

Submissions (12):

Evidence-based Network for the Interpretation of Germline Mutant Alleles (ENIGMA)
Classification: Pathogenic for Breast-ovarian cancer, familial, susceptibility to, 2. Last evaluated: 2016-09-08. Review status: reviewed by expert panel. Criteria: ENIGMA BRCA1/2 Classification Criteria (2015). Collection method: curation. Allele origin: germline.
Comment: Variant allele predicted to encode a truncated non-functional protein.

Dasa
Classification: Pathogenic for Breast-ovarian cancer, familial, susceptibility to, 2. Last evaluated: 2026-03-24. Review status: criteria provided, single submitter. Criteria: DASA Assertion Criteria. Collection method: clinical testing. Allele origin: germline. Not counted in ClinVar's aggregate classification.
Comment: NM_000059.4(BRCA2):c.7738C>T (p.Gln2580*) introduces a premature termination codon predicted to result in loss of normal protein function. Loss-of-function is an established mechanism of disease for this gene. Based on the available data, this variant is classified as pathogenic.

Center for Genomic Medicine, Rigshospitalet, Copenhagen University Hospital
Classification: Pathogenic. Last evaluated: 2025-12-29. Review status: criteria provided, single submitter. Criteria: ACMG Guidelines, 2015. Collection method: clinical testing. Allele origin: germline. Not counted in ClinVar's aggregate classification.
Comment: Classification criteria: PVS1, PM5_strong, PM2_support

Labcorp Genetics (formerly Invitae), Labcorp
Classification: Pathogenic for Hereditary breast ovarian cancer syndrome. Last evaluated: 2025-06-18. Review status: criteria provided, single submitter. Criteria: Invitae Variant Classification Sherloc (09022015). Collection method: clinical testing. Allele origin: germline. Not counted in ClinVar's aggregate classification.
Comment: This sequence change creates a premature translational stop signal (p.Gln2580*) in the BRCA2 gene. It is expected to result in an absent or disrupted protein product. Loss-of-function variants in BRCA2 are known to be pathogenic (PMID: 20104584). This variant is not present in population databases (gnomAD no frequency). This premature translational stop signal has been observed in individual(s) with personal and/or family history of breast and ovarian cancer (PMID: 15868448, 28724667, 29446198, 29907814). ClinVar contains an entry for this variant (Variation ID: 52396). Studies have shown that this premature translational stop signal does not affect mRNA splicing (PMID: 29881398). For these reasons, this variant has been classified as Pathogenic.

GeneKor MSA
Classification: Pathogenic for Hereditary breast ovarian cancer syndrome. Last evaluated: 2025-05-15. Review status: criteria provided, single submitter. Criteria: ACMG Guidelines, 2015. Collection method: clinical testing. Allele origin: germline. Affected: yes. Not counted in ClinVar's aggregate classification.
Comment: This sequence change creates a premature translational stop signal, p.(Gln2580*) in the BRCA2 gene. It is expected to result in an absent or disrupted protein product. Loss-of-function variants in BRCA2 are known to be pathogenic (PMID:20104584). This variant is not present in population databases (rs80358999, gnomAD no frequency). This premature translational stop signal has been observed in individual(s) with personal and/or family history of breast and ovarian cancer (PMID:15868448, 28724667, 29446198, 29907814). ClinVar contains an entry for this variant (VCV000052396.15). Studies have shown that this premature translational stop signal does not affect mRNA splicing (PMID:29881398). Based on the classification criteria set by the ACMG and AMP (PMID:25741868) this variant has been classified as pathogenic.

Ambry Genetics
Classification: Pathogenic for Hereditary cancer-predisposing syndrome. Last evaluated: 2024-11-26. Review status: criteria provided, single submitter. Criteria: Ambry Variant Classification Scheme 2023. Collection method: clinical testing. Allele origin: germline. Not counted in ClinVar's aggregate classification.
Comment: The p.Q2580* pathogenic mutation (also known as c.7738C>T), located in coding exon 15 of the BRCA2 gene, results from a C to T substitution at nucleotide position 7738. This changes the amino acid from a glutamine to a stop codon within coding exon 15. This alteration has been reported in numerous patients with features of BRCA2-related hereditary breast and ovarian cancer syndrome (Musolino A et al. Breast Cancer Res Treat, 2005 May;91:203-5; Pinto P et al. Breast Cancer Res Treat, 2016 Sep;159:245-56; Dong H et al. J Med Genet, 2021 Aug;58:565-569; Palmero EI et al. Sci Rep, 2018 Jun;8:9188). This variant is considered to be rare based on population cohorts in the Genome Aggregation Database (gnomAD). In addition to the clinical data presented in the literature, this alteration is expected to result in loss of function by premature protein truncation or nonsense-mediated mRNA decay. As such, this alteration is interpreted as a disease-causing mutation.

Women's Health and Genetics/Laboratory Corporation of America, LabCorp
Classification: Pathogenic for Hereditary breast ovarian cancer syndrome. Last evaluated: 2022-03-21. Review status: criteria provided, single submitter. Criteria: LabCorp Variant Classification Summary - May 2015. Collection method: clinical testing. Allele origin: germline. Not counted in ClinVar's aggregate classification.
Comment: Variant summary: BRCA2 c.7738C>T (p.Gln2580X) results in a premature termination codon, predicted to cause a truncation of the encoded protein or absence of the protein due to nonsense mediated decay, which are commonly known mechanisms for disease. Truncations downstream of this position have been classified as pathogenic by our laboratory. The variant was absent in 251416 control chromosomes. c.7738C>T has been reported in the literature in individuals affected with Hereditary Breast And Ovarian Cancer Syndrome (example, Rebbeck_2018, Vietri_2020, Zhang_2021, Pinto_2016). These data indicate that the variant is likely to be associated with disease. Two clinical diagnostic laboratories, an expert panel (ENIGMA) and a consortium (CIMBA) have submitted clinical-significance assessments for this variant to ClinVar after 2014. All submitters classified the variant as pathogenic. Based on the evidence outlined above, the variant was classified as pathogenic.

Mendelics
Classification: Pathogenic for Hereditary breast and ovarian cancer syndrome. Last evaluated: 2018-07-02. Review status: criteria provided, single submitter. Criteria: Mendelics Assertion Criteria 2017. Collection method: clinical testing. Allele origin: unknown. Not counted in ClinVar's aggregate classification.

Consortium of Investigators of Modifiers of BRCA1/2 (CIMBA), c/o University of Cambridge
Classification: Pathogenic for Breast-ovarian cancer, familial, susceptibility to, 2. Last evaluated: 2015-10-02. Review status: criteria provided, single submitter. Criteria: CIMBA Mutation Classification guidelines May 2016. Collection method: clinical testing. Allele origin: germline. Not counted in ClinVar's aggregate classification.

Genesis Genomics
Classification: Pathogenic for Breast-ovarian cancer, familial, susceptibility to, 2. Review status: criteria provided, single submitter. Criteria: ACMG Guidelines, 2015. Collection method: clinical testing. Allele origin: germline. Affected: yes. Observed: 1 variant allele. Not counted in ClinVar's aggregate classification.

Research Molecular Genetics Laboratory, Women's College Hospital, University of Toronto
Classification: Pathogenic for Hereditary breast ovarian cancer syndrome. Last evaluated: 2014-01-31. Review status: no assertion criteria provided. Collection method: research. Allele origin: germline. Affected: yes. Study: The Canadian Open Genetics Repository (COGR). Not counted in ClinVar's aggregate classification.

Breast Cancer Information Core (BIC) (BRCA2)
Classification: Pathogenic for Breast-ovarian cancer, familial 2. Last evaluated: 2002-05-29. Review status: no assertion criteria provided. Collection method: clinical testing. Allele origin: germline. Affected: yes. Observed: 1 variant allele. Not counted in ClinVar's aggregate classification.

Literature cited by the submitters: PubMed 29907814 (cited by 4 submitters); PubMed 32853339 (cited by Center for Genomic Medicine, Rigshospitalet, Copenhagen University Hospital); PubMed 20104584 (cited by Labcorp Genetics (formerly Invitae), Labcorp and GeneKor MSA); PubMed 15868448 (cited by 3 submitters); PubMed 28724667 (cited by Labcorp Genetics (formerly Invitae), Labcorp and GeneKor MSA); PubMed 29446198 (cited by 3 submitters); PubMed 29881398 (cited by Labcorp Genetics (formerly Invitae), Labcorp and GeneKor MSA); PubMed 27553368 (cited by Ambry Genetics and Women's Health and Genetics/Laboratory Corporation of America, LabCorp); PubMed 32467295 (cited by Ambry Genetics); PubMed 33287145 (cited by Women's Health and Genetics/Laboratory Corporation of America, LabCorp); PubMed 32720318 (cited by Women's Health and Genetics/Laboratory Corporation of America, LabCorp).

NM_000059.4(BRCA2):c.7738C>T (p.Gln2580Ter)

Gene: BRCA2 (BRCA2 DNA repair associated; plus strand). Cytogenetic location: 13q13.1.
Variant type: single nucleotide variant.
Coding change: c.7738C>T on transcript NM_000059.4 (MANE Select); coding-DNA position 7738, C replaced by T.
Protein change: p.Gln2580Ter; replaces glutamine 2580 with a stop codon.
Molecular consequence: nonsense.
Genome position (GRCh38, 1-based): chr13:32,357,862, C>T. VCF-style: chr13-32357862-C-T. GRCh37 (hg19) VCF-style: chr13-32931999-C-T.
Other names: short protein forms Q2580*.
Identifiers: ClinVar variation 52396 (VCV000052396.20), dbSNP rs80358999, ClinGen allele CA025250.